The following is an entry in ClinVar:

NM_005732.4(RAD50):c.130-1G>T

Gene: RAD50 (RAD50 double strand break repair protein; plus strand). Cytogenetic location: 5q31.1.
Variant type: single nucleotide variant.
Coding change: c.130-1G>T on transcript NM_005732.4 (MANE Select); the canonical splice acceptor site of the intron before coding-DNA position 130, G replaced by T.
Molecular consequence: splice acceptor variant.
Genome position (GRCh38, 1-based): chr5:132,559,283, G>T. VCF-style: chr5-132559283-G-T. GRCh37 (hg19) VCF-style: chr5-131894975-G-T.
Identifiers: ClinVar variation 230801 (VCV000230801.12), dbSNP rs876658784, ClinGen allele CA10578473.

ClinVar aggregate classification (germline): Likely pathogenic. Review status: criteria provided, multiple submitters, no conflicts (2 of 4 stars). 2 submissions from 2 submitters: Likely pathogenic (2). Last evaluated 2024-02-05.

Conditions:
Hereditary cancer-predisposing syndrome. Also called: Neoplastic Syndromes, Hereditary; Tumor predisposition; Hereditary Cancer Syndrome; Hereditary neoplastic syndrome. Identifiers: Orphanet 140162, MedGen C0027672, MeSH D009386, MONDO:0015356.

Allele frequency attached by ClinVar (database versions not stated): gnomAD exomes below 0.00001; TOPMed below 0.00001; gnomAD 0.00001.
gnomAD v4.1: 3 of 1,599,382 alleles (0.00019%); highest among the groups gnomAD compares: Non-Finnish European, 0.00026%; no homozygotes.

Submissions (2):

Ambry Genetics
Classification: Likely pathogenic for Hereditary cancer-predisposing syndrome. Last evaluated: 2024-02-05. Review status: criteria provided, single submitter. Criteria: Ambry Variant Classification Scheme 2023. Collection method: clinical testing. Allele origin: germline.
Comment: The c.130-1G>T intronic variant results from a G to T substitution one nucleotide upstream from coding exon 2 of the RAD50 gene. This nucleotide position is highly conserved in available vertebrate species. In silico splice site analysis predicts that this alteration will weaken the native splice acceptor site. RNA studies have demonstrated that this alteration results in abnormal splicing in the set of samples tested (Ambry internal data). Alterations that disrupt the canonical splice site are expected to cause aberrant splicing, resulting in an abnormal protein. As such, this alteration is classified as likely pathogenic.

Labcorp Genetics (formerly Invitae), Labcorp
Classification: Likely pathogenic for Hereditary cancer-predisposing syndrome. Last evaluated: 2023-09-04. Review status: criteria provided, single submitter. Criteria: Invitae Variant Classification Sherloc (09022015). Collection method: clinical testing. Allele origin: germline.
Comment: In summary, the currently available evidence indicates that the variant is pathogenic, but additional data are needed to prove that conclusively. Therefore, this variant has been classified as Likely Pathogenic. Studies have shown that disruption of this splice site results in skipping of exon 2, but is expected to preserve the integrity of the reading-frame (Invitae). ClinVar contains an entry for this variant (Variation ID: 230801). Disruption of this splice site has been observed in individual(s) with ovarian cancer (PMID: 33099839). This sequence change affects an acceptor splice site in intron 1 of the RAD50 gene. RNA analysis indicates that disruption of this splice site induces altered splicing and likely results in a shortened protein product. This variant is present in population databases (no rsID available, gnomAD 0.002%).

Literature cited by the submitters: PubMed 33099839 (cited by Labcorp Genetics (formerly Invitae), Labcorp).